The following is an entry in ClinVar:

ClinVar aggregate classification (germline): Conflicting classifications of pathogenicity. Review status: criteria provided, conflicting classifications (1 of 4 stars). 3 submissions from 3 submitters: Uncertain significance (2); Likely benign (1). Last evaluated 2026-09-21.

Conditions:
Myofibrillar myopathy 6. Identifiers: Orphanet 199340, MedGen C2751831, MONDO:0013061, OMIM 612954.
Dilated cardiomyopathy 1HH (CMD1HH). Identifiers: Orphanet 154, MedGen C3151293, MONDO:0013479, OMIM 613881.
Cardiovascular phenotype. Identifiers: MedGen CN230736.

Allele frequency attached by ClinVar (database versions not stated): gnomAD exomes 0.00001; ExAC 0.00002.
gnomAD v4.1: 10 of 1,613,780 alleles (0.00062%); highest among the groups gnomAD compares: South Asian, 0.011%; no homozygotes.

Submissions (3):

Molecular Diagnostic Laboratory for Inherited Cardiovascular Disease, Montreal Heart Institute
Classification: Likely benign. Last evaluated: 2026-09-21. Review status: criteria provided, single submitter. Criteria: ACMG Guidelines, 2015. Collection method: clinical testing. Allele origin: germline. Affected: no.
Comment: BS1;BP4

Labcorp Genetics (formerly Invitae), Labcorp
Classification: Uncertain significance for Dilated cardiomyopathy 1HH; Myofibrillar myopathy 6. Last evaluated: 2026-01-24. Review status: criteria provided, single submitter. Criteria: Invitae Variant Classification Sherloc (09022015). Collection method: clinical testing. Allele origin: germline.
Comment: This sequence change replaces serine, which is neutral and polar, with arginine, which is basic and polar, at codon 389 of the BAG3 protein (p.Ser389Arg). This variant is present in population databases (rs777587890, gnomAD 0.01%). This variant has not been reported in the literature in individuals affected with BAG3-related conditions. ClinVar contains an entry for this variant (Variation ID: 2155450). Invitae Evidence Modeling of protein sequence and biophysical properties (such as structural, functional, and spatial information, amino acid conservation, physicochemical variation, residue mobility, and thermodynamic stability) indicates that this missense variant is not expected to disrupt BAG3 protein function with a negative predictive value of 80%. In summary, the available evidence is currently insufficient to determine the role of this variant in disease. Therefore, it has been classified as a Variant of Uncertain Significance.

Ambry Genetics
Classification: Uncertain significance for Cardiovascular phenotype. Last evaluated: 2025-02-22. Review status: criteria provided, single submitter. Criteria: Ambry Variant Classification Scheme 2023. Collection method: clinical testing. Allele origin: germline.
Comment: The p.S389R variant (also known as c.1167T>G), located in coding exon 4 of the BAG3 gene, results from a T to G substitution at nucleotide position 1167. The serine at codon 389 is replaced by arginine, an amino acid with dissimilar properties. This amino acid position is conserved. In addition, this alteration is predicted to be tolerated by in silico analysis. Based on the available evidence, the clinical significance of this variant remains unclear.

NM_004281.4(BAG3):c.1167T>G (p.Ser389Arg)

Gene: BAG3 (BAG cochaperone 3; plus strand). Cytogenetic location: 10q26.11.
Variant type: single nucleotide variant.
Coding change: c.1167T>G on transcript NM_004281.4 (MANE Select); coding-DNA position 1167, T replaced by G.
Protein change: p.Ser389Arg; replaces serine 389 with arginine.
Molecular consequence: missense variant.
Genome position (GRCh38, 1-based): chr10:119,676,721, T>G. VCF-style: chr10-119676721-T-G. GRCh37 (hg19) VCF-style: chr10-121436233-T-G.
Other names: short protein forms S389R.
Identifiers: ClinVar variation 2155450 (VCV002155450.5), dbSNP rs777587890, ClinGen allele CA5716502.